The following is an entry in ClinVar:

ClinVar aggregate classification (germline): Uncertain significance (1 of 4 stars; one submission).

Allele frequency attached by ClinVar (database versions not stated): gnomAD exomes 0.00001.
gnomAD v4.1: 23 of 1,612,978 alleles (0.0014%); highest among the groups gnomAD compares: African/African-American, 0.029%; no homozygotes.

Submission:

Labcorp Genetics (formerly Invitae), Labcorp
Classification: Uncertain significance. Last evaluated: 2022-05-21. Review status: criteria provided, single submitter. Criteria: Invitae Variant Classification Sherloc (09022015). Collection method: clinical testing. Allele origin: germline.
Comment: In summary, the available evidence is currently insufficient to determine the role of this variant in disease. Therefore, it has been classified as a Variant of Uncertain Significance. Algorithms developed to predict the effect of missense changes on protein structure and function (SIFT, PolyPhen-2, Align-GVGD) all suggest that this variant is likely to be tolerated. This variant has not been reported in the literature in individuals affected with ATP8A2-related conditions. This variant is present in population databases (rs771652351, gnomAD 0.03%). This sequence change replaces histidine, which is basic and polar, with tyrosine, which is neutral and polar, at codon 452 of the ATP8A2 protein (p.His452Tyr).

NM_016529.6(ATP8A2):c.1354C>T (p.His452Tyr)

Gene: ATP8A2 (ATPase phospholipid transporting 8A2). Cytogenetic location: 13q12.13.
Variant type: single nucleotide variant.
Coding change: c.1354C>T on transcript NM_016529.6 (MANE Select); coding-DNA position 1354, C replaced by T.
Protein change: p.His452Tyr; replaces histidine 452 with tyrosine.
Molecular consequence: missense variant.
Genome position (GRCh38, 1-based): chr13:25,559,722, C>T. VCF-style: chr13-25559722-C-T. GRCh37 (hg19) VCF-style: chr13-26133860-C-T.
Other names: c.1234C>T, p.His412Tyr (NM_001313741.1); c.1354C>T, p.His452Tyr (NM_001411005.1, NM_001411006.1); short protein forms H412Y, H452Y.
Identifiers: ClinVar variation 1983932 (VCV001983932.4), dbSNP rs771652351, ClinGen allele CA6922886.